The following is an entry in ClinVar:

NM_005866.4(SIGMAR1):c.492G>A (p.Trp164Ter)

Gene: SIGMAR1 (sigma receptor chaperone 1; minus strand). Cytogenetic location: 9p13.3.
Variant type: single nucleotide variant.
Coding change: c.492G>A on transcript NM_005866.4 (MANE Select); coding-DNA position 492, G replaced by A.
Protein change: p.Trp164Ter; replaces tryptophan 164 with a stop codon.
Molecular consequence: nonsense. On other transcripts: non-coding transcript variant (1), intron variant (1), 3 prime UTR variant (2).
Genome position (GRCh38, 1-based): chr9:34,635,812, C>T on the plus strand (G>A on the coding strand, the complement: SIGMAR1 is on the minus strand). VCF-style: chr9-34635812-C-T. GRCh37 (hg19) VCF-style: chr9-34635809-C-T.
Other names: c.446-172G>A (NM_001282205.2); c.*35G>A (NM_001282208.2); c.*19G>A (NM_001282209.2); c.399G>A, p.Trp133Ter (NM_147157.3); c.192G>A, p.Trp64Ter (NM_001282206.2); c.432G>A, p.Trp144Ter (NM_001282207.2); short protein forms W133*, W144*, W164*, W64*.
Identifiers: ClinVar variation 1067324 (VCV001067324.9), dbSNP rs1242817438, ClinGen allele CA373272722.

ClinVar aggregate classification (germline): Pathogenic (1 of 4 stars; one submission).

Conditions:
Autosomal recessive distal spinal muscular atrophy 2. Also called: NEURONOPATHY, DISTAL HEREDITARY MOTOR, JERASH TYPE; NEUROPATHY, DISTAL HEREDITARY MOTOR, JERASH TYPE; SPINAL MUSCULAR ATROPHY, JERASH TYPE; NEUROPATHY, DISTAL HEREDITARY MOTOR, AUTOSOMAL RECESSIVE 2; Hereditary motor neuropathy, Jerash type; Motor neuropathy, distal, Jerash type. Identifiers: Orphanet 139552, MedGen C1854023, MONDO:0011585, OMIM 605726.
Amyotrophic lateral sclerosis type 16. Also called: AMYOTROPHIC LATERAL SCLEROSIS 16, JUVENILE. Identifiers: Orphanet 300605, MedGen C3280587, MONDO:0013715, OMIM 614373.

Allele frequency attached by ClinVar (database versions not stated): gnomAD exomes below 0.00001.
gnomAD v4.1: 1 of 1,614,202 alleles (0.000062%); highest among the groups gnomAD compares: Non-Finnish European, 0.000085%; no homozygotes.

Submission:

Labcorp Genetics (formerly Invitae), Labcorp
Classification: Pathogenic for Autosomal recessive distal spinal muscular atrophy 2; Amyotrophic lateral sclerosis type 16. Last evaluated: 2023-07-14. Review status: criteria provided, single submitter. Criteria: Invitae Variant Classification Sherloc (09022015). Collection method: clinical testing. Allele origin: germline.
Comment: This sequence change creates a premature translational stop signal (p.Trp164*) in the SIGMAR1 gene. While this is not anticipated to result in nonsense mediated decay, it is expected to disrupt the last 60 amino acid(s) of the SIGMAR1 protein. For these reasons, this variant has been classified as Pathogenic. This variant disrupts a region of the SIGMAR1 protein in which other variant(s) (p.Asn167Ile) have been determined to be pathogenic (PMID: 31511340). This suggests that this is a clinically significant region of the protein, and that variants that disrupt it are likely to be disease-causing. ClinVar contains an entry for this variant (Variation ID: 1067324). This variant has not been reported in the literature in individuals affected with SIGMAR1-related conditions. This variant is present in population databases (no rsID available, gnomAD 0.0009%).

Literature cited by the submitters: PubMed 31511340.